The following is an entry in ClinVar:

ClinVar aggregate classification (germline): Likely benign. Review status: reviewed by expert panel (3 of 4 stars). 2 submissions from 2 submitters: Likely benign (1). 1 of the submissions does not count toward it. Last evaluated 2026-08-26.

Conditions:
T-B+ severe combined immunodeficiency due to JAK3 deficiency. Also called: SCID, autosomal recessive, T-negative/B-positive type; SCID, T CELL-NEGATIVE, B CELL-POSITIVE, NK CELL-NEGATIVE. Identifiers: Orphanet 35078, MedGen C1833275, MONDO:0010938, OMIM 600802.

Allele frequency attached by ClinVar (database versions not stated): gnomAD exomes 0.00006 and 0.00014; gnomAD 0.00009 and 0.00010; TOPMed 0.00011; ExAC 0.00013; ESP Exome Variant Server 0.00023.
gnomAD v4.1: 115 of 1,612,738 alleles (0.0071%); highest among the groups gnomAD compares: Non-Finnish European, 0.00085%; 1 homozygote.

Submissions (2):

ClinGen Severe Combined Immunodeficiency Variant Curation Expert Panel, ClinGen
Classification: Likely benign for T-B+ severe combined immunodeficiency due to JAK3 deficiency. Last evaluated: 2026-08-26. Review status: reviewed by expert panel. Criteria: ClinGen SCID ACMG Specifications JAK3 V2.3. Collection method: curation. Allele origin: germline. Inheritance: Autosomal recessive inheritance.
Comment: NM_000215.4(JAK3):c.3007A>G is a missense variant predicted to cause substitution of Isoleucine by Valine at amino acid 1003 (p.Ile1003Val).The highest population minor allele frequency in gnomAD v4 is 0.003143 (93/29592 alleles) in Ashkenazi Jewish population (bottleneck population), which is higher than the ClinGen SCID VCEP threshold (>0.00100) for BS1, and therefore meets this criterion (BS1). There are no publications for this variant in the literature. In summary, this variant meets the criteria to be classified as a likely benign variant for autosomal recessive severe combined immunodeficiency due to JAK3 deficiency based on the ACMG/AMP criteria applied, as specified by the ClinGen SCID VCEP: BS1 (VCEP specifications version 2.3.0).

Labcorp Genetics (formerly Invitae), Labcorp
Classification: Benign for T-B+ severe combined immunodeficiency due to JAK3 deficiency. Last evaluated: 2026-01-20. Review status: criteria provided, single submitter. Criteria: Invitae Variant Classification Sherloc (09022015). Collection method: clinical testing. Allele origin: germline. Not counted in ClinVar's aggregate classification.

NM_000215.4(JAK3):c.3007A>G (p.Ile1003Val)

Gene: JAK3 (Janus kinase 3; minus strand). Cytogenetic location: 19p13.11.
Variant type: single nucleotide variant.
Coding change: c.3007A>G on transcript NM_000215.4 (MANE Select); coding-DNA position 3007, A replaced by G.
Protein change: p.Ile1003Val; replaces isoleucine 1003 with valine.
Molecular consequence: missense variant.
Genome position (GRCh38, 1-based): chr19:17,830,592, T>C on the plus strand (A>G on the coding strand, the complement: JAK3 is on the minus strand). VCF-style: chr19-17830592-T-C. GRCh37 (hg19) VCF-style: chr19-17941401-T-C.
Other names: NM_000215.4(JAK3):c.3007A>G; p.Ile1003Val; short protein forms I1003V.
Identifiers: ClinVar variation 1164943 (VCV001164943.10), dbSNP rs137901277, ClinGen allele CA9301445.
Genomic context (GRCh38, chr19:17,830,592, plus strand): 5'-AGGTGAAGAGCTCGTACAGGACGACCCCGAAGCTCCAGACGTCTGACTGGCGAGAGAAGA[T>C]GTTGTCCGAGAGGGATTCGGGGGCATACCTGGAGAGGGGACAAGGTCTTGAGATGCGAGG-3'
Protein context (NP_000206.2, residues 993-1013): WYAPESLSDN[Ile1003Val]FSRQSDVWSF